The following is an entry in ClinVar:

NM_152309.3(PIK3AP1):c.514G>C (p.Val172Leu)

Gene: PIK3AP1 (phosphoinositide-3-kinase adaptor protein 1; minus strand). Cytogenetic location: 10q24.1.
Variant type: single nucleotide variant.
Coding change: c.514G>C on transcript NM_152309.3 (MANE Select); coding-DNA position 514, G replaced by C.
Protein change: p.Val172Leu; replaces valine 172 with leucine.
Molecular consequence: missense variant.
Genome position (GRCh38, 1-based): chr10:96,656,851, C>G on the plus strand (G>C on the coding strand, the complement: PIK3AP1 is on the minus strand). VCF-style: chr10-96656851-C-G. GRCh37 (hg19) VCF-style: chr10-98416608-C-G.
Other names: short protein forms V172L.
Identifiers: ClinVar variation 2140984 (VCV002140984.4), dbSNP rs766807797, ClinGen allele CA377750005.

ClinVar aggregate classification (germline): Uncertain significance (1 of 4 stars; one submission).

Conditions:
Infantile spasms. Also called: Infantile spasm. Identifiers: MedGen C3887898, HP:0012469.

gnomAD v4.1: 4 of 1,613,998 alleles (0.00025%); highest among the groups gnomAD compares: African/African-American, 0.0053%; no homozygotes.

Submission:

Labcorp Genetics (formerly Invitae), Labcorp
Classification: Uncertain significance for Infantile spasms. Last evaluated: 2025-05-22. Review status: criteria provided, single submitter. Criteria: Invitae Variant Classification Sherloc (09022015). Collection method: clinical testing. Allele origin: germline.
Comment: This sequence change replaces valine, which is neutral and non-polar, with leucine, which is neutral and non-polar, at codon 172 of the PIK3AP1 protein (p.Val172Leu). This variant is present in population databases (no rsID available, gnomAD 0.01%). This variant has not been reported in the literature in individuals affected with PIK3AP1-related conditions. ClinVar contains an entry for this variant (Variation ID: 2140984). An algorithm developed to predict the effect of missense changes on protein structure and function (PolyPhen-2) suggests that this variant is likely to be tolerated. In summary, the available evidence is currently insufficient to determine the role of this variant in disease. Therefore, it has been classified as a Variant of Uncertain Significance.